The following is an entry in ClinVar:

ClinVar aggregate classification (germline): Uncertain significance. Review status: criteria provided, multiple submitters, no conflicts (2 of 4 stars). 2 submissions from 2 submitters: Uncertain significance (2). Last evaluated 2023-12-12.

Conditions:
Inborn genetic diseases. Identifiers: MedGen C0950123, MeSH D030342.

Allele frequency attached by ClinVar (database versions not stated): gnomAD 0.00001; TOPMed 0.00002; gnomAD exomes 0.00003; ExAC 0.00008; 1000 Genomes Project 30x 0.00016; 1000 Genomes Project 0.00020.
gnomAD v4.1: 49 of 1,614,086 alleles (0.003%); highest among the groups gnomAD compares: South Asian, 0.04%; no homozygotes.

Submissions (2):

Ambry Genetics
Classification: Uncertain significance for Inborn genetic diseases. Last evaluated: 2023-12-12. Review status: criteria provided, single submitter. Criteria: Ambry Variant Classification Scheme 2023. Collection method: clinical testing. Allele origin: germline.

Labcorp Genetics (formerly Invitae), Labcorp
Classification: Uncertain significance. Last evaluated: 2022-05-14. Review status: criteria provided, single submitter. Criteria: Invitae Variant Classification Sherloc (09022015). Collection method: clinical testing. Allele origin: germline.
Comment: This sequence change replaces arginine, which is basic and polar, with tryptophan, which is neutral and slightly polar, at codon 104 of the PROP1 protein (p.Arg104Trp). This variant is present in population databases (rs530283224, gnomAD 0.05%). This variant has not been reported in the literature in individuals affected with PROP1-related conditions. Algorithms developed to predict the effect of missense changes on protein structure and function (SIFT, PolyPhen-2, Align-GVGD) all suggest that this variant is likely to be disruptive. In summary, the available evidence is currently insufficient to determine the role of this variant in disease. Therefore, it has been classified as a Variant of Uncertain Significance.

NM_006261.5(PROP1):c.310C>T (p.Arg104Trp)

Gene: PROP1 (PROP paired-like homeobox 1; minus strand). Cytogenetic location: 5q35.3.
Variant type: single nucleotide variant.
Coding change: c.310C>T on transcript NM_006261.5 (MANE Select); coding-DNA position 310, C replaced by T.
Protein change: p.Arg104Trp; replaces arginine 104 with tryptophan.
Molecular consequence: missense variant.
Genome position (GRCh38, 1-based): chr5:177,994,138, G>A on the plus strand (C>T on the coding strand, the complement: PROP1 is on the minus strand). VCF-style: chr5-177994138-G-A. GRCh37 (hg19) VCF-style: chr5-177421139-G-A.
Other names: c.310C>T (NM_006261.4); short protein forms R104W.
Identifiers: ClinVar variation 2166845 (VCV002166845.2), dbSNP rs530283224, ClinGen allele CA3587562.